The following is an entry in ClinVar:

NM_015192.4(PLCB1):c.2278C>T (p.Arg760Cys)

Gene: PLCB1 (phospholipase C beta 1; plus strand). Cytogenetic location: 20p12.3.
Variant type: single nucleotide variant.
Coding change: c.2278C>T on transcript NM_015192.4 (MANE Select); coding-DNA position 2278, C replaced by T.
Protein change: p.Arg760Cys; replaces arginine 760 with cysteine.
Molecular consequence: missense variant.
Genome position (GRCh38, 1-based): chr20:8,739,330, C>T. VCF-style: chr20-8739330-C-T. GRCh37 (hg19) VCF-style: chr20-8719977-C-T.
Other names: c.2278C>T, p.Arg760Cys (NM_182734.3); short protein forms R760C.
Identifiers: ClinVar variation 487159 (VCV000487159.11), dbSNP rs1194618095, ClinGen allele CA408207765.
Genomic context (GRCh38, chr20:8,739,330, plus strand): 5'-CCTACTCTGGCCTGTTTGAGAATAGCAGTTTATGAAGAAGGAGGTAAATTCATTGGCCAC[C>T]GTATCTTGCCAGTGCAAGCCATTCGGCCAGGTATGGGTAGTGTGCTGAGAAACCTTTTAT-3'
Protein context (NP_056007.1, residues 750-770): YEEGGKFIGH[Arg760Cys]ILPVQAIRPG

ClinVar aggregate classification (germline): Uncertain significance (1 of 4 stars; one submission).

Conditions:
Developmental and epileptic encephalopathy, 12 (DEE12). Identifiers: MedGen C3150988, MONDO:0013389, OMIM 613722.

Allele frequency attached by ClinVar (database versions not stated): gnomAD exomes below 0.00001 and 0.00001.
gnomAD v4.1: 7 of 1,613,520 alleles (0.00043%); highest among the groups gnomAD compares: East Asian, 0.0022%; no homozygotes.

Submission:

Labcorp Genetics (formerly Invitae), Labcorp
Classification: Uncertain significance for Developmental and epileptic encephalopathy, 12. Last evaluated: 2019-10-30. Review status: criteria provided, single submitter. Criteria: Invitae Variant Classification Sherloc (09022015). Collection method: clinical testing. Allele origin: germline.
Comment: This variant is not present in population databases (ExAC no frequency) and has not been reported in the literature in individuals with a PLCB1-related disease. In summary, this variant is a novel missense change with uncertain impact on protein function. It has been classified as a Variant of Uncertain Significance. Algorithms developed to predict the effect of missense changes on protein structure and function do not agree on the potential impact of this missense change (SIFT: "Deleterious"; PolyPhen-2: "Probably Damaging"; Align-GVGD: "Class C0"). This sequence change replaces arginine with cysteine at codon 760 of the PLCB1 protein (p.Arg760Cys). The arginine residue is highly conserved and there is a large physicochemical difference between arginine and cysteine.